The following is an entry in ClinVar:

NM_001953.5(TYMP):c.676G>A (p.Gly226Arg)

Gene: TYMP (thymidine phosphorylase; minus strand). Cytogenetic location: 22q13.33.
Variant type: single nucleotide variant.
Coding change: c.676G>A on transcript NM_001953.5 (MANE Select); coding-DNA position 676, G replaced by A.
Protein change: p.Gly226Arg; replaces glycine 226 with arginine.
Molecular consequence: missense variant.
Genome position (GRCh38, 1-based): chr22:50,527,254, C>T on the plus strand (G>A on the coding strand, the complement: TYMP is on the minus strand). VCF-style: chr22-50527254-C-T. GRCh37 (hg19) VCF-style: chr22-50965683-C-T.
Other names: c.676G>A, p.Gly226Arg (LRG_727t1, LRG_727t2, NM_001113755.3 and 3 more transcripts); short protein forms G226R.
Identifiers: ClinVar variation 215335 (VCV000215335.15), dbSNP rs200497106, ClinGen allele CA324013.

ClinVar aggregate classification (germline): Conflicting classifications of pathogenicity. Review status: criteria provided, conflicting classifications (1 of 4 stars). 3 submissions from 3 submitters: Uncertain significance (2); Likely benign (1). Last evaluated 2026-02-01.

Conditions:
Inborn genetic diseases. Identifiers: MedGen C0950123, MeSH D030342.

Allele frequency attached by ClinVar (database versions not stated): ExAC 0.00009; ESP Exome Variant Server 0.00015; gnomAD exomes 0.00015; TOPMed 0.00018; gnomAD 0.00023 and 0.00026.

Submissions (3):

Labcorp Genetics (formerly Invitae), Labcorp
Classification: Likely benign. Last evaluated: 2026-02-01. Review status: criteria provided, single submitter. Criteria: Invitae Variant Classification Sherloc (09022015). Collection method: clinical testing. Allele origin: germline.

GeneDx
Classification: Uncertain significance. Last evaluated: 2026-01-25. Review status: criteria provided, single submitter. Criteria: GeneDx Variant Classification Process June 2021. Collection method: clinical testing. Allele origin: germline. Affected: yes.
Comment: In silico analysis supports that this missense variant has a deleterious effect on protein structure/function; Has not been previously published as pathogenic or benign to our knowledge

Ambry Genetics
Classification: Uncertain significance for Inborn genetic diseases. Last evaluated: 2021-08-17. Review status: criteria provided, single submitter. Criteria: Ambry Variant Classification Scheme 2023. Collection method: clinical testing. Allele origin: germline.